The following is an entry in ClinVar:

ClinVar aggregate classification (germline): Likely pathogenic (1 of 4 stars; one submission).

Submission:

GeneDx
Classification: Likely pathogenic. Last evaluated: 2018-04-16. Review status: criteria provided, single submitter. Criteria: GeneDx Variant Classification (06012015). Collection method: clinical testing. Allele origin: germline. Affected: yes.
Comment: The c.3975_3993del19 variant in the SPG11 gene has not been reported previously as a pathogenic variant nor as a benign variant, to our knowledge. The c.3975_3993del19 variant causes a frameshift starting with codon Asparagine 1325, changes this amino acid to a Lysine residue, and creates a premature Stop codon at position 2 of the new reading frame, denoted p.Asn1325LysfsX2. This variant is predicted to cause loss of normal protein function either through protein truncation or nonsense-mediated mRNA decay. The c.3975_3993del19 variant is not observed in large population cohorts (Lek et al., 2016). We interpret c.3975_3993del19 as a likely pathogenic variant.

NM_025137.4(SPG11):c.3975_3993del (p.Asn1325fs)

Gene: SPG11 (SPG11 vesicle trafficking associated, spatacsin; minus strand). Cytogenetic location: 15q21.1.
Variant type: Deletion.
Coding change: c.3975_3993del on transcript NM_025137.4 (MANE Select); coding-DNA positions 3975 to 3993, 19 bases deleted (CAGCATTCAGCAACAGGAA).
Protein change: p.Asn1325fs; shifts the reading frame from asparagine 1325.
Molecular consequence: frameshift variant.
Genome position (GRCh38, 1-based): chr15:44,598,273-44,598,291, TTCCTGTTGCTGAATGCTG deleted on the plus strand (CAGCATTCAGCAACAGGAA on the coding strand, the reverse complement: SPG11 is on the minus strand); deleting any 19 consecutive bases within chr15:44,598,273-44,598,295 gives the same sequence; the c. name uses the placement nearest the transcript's 3' end. VCF-style (leftmost placement, unchanged base first): chr15-44598272-TTTCCTGTTGCTGAATGCTG-T. GRCh37 (hg19) VCF-style: chr15-44890470-TTTCCTGTTGCTGAATGCTG-T.
Other names: c.3975_3993del, p.Asn1325fs (NM_001160227.2); short protein forms N1325fs.
Identifiers: ClinVar variation 524119 (VCV000524119.2), dbSNP rs1555451417, ClinGen allele CA658798326.